The following is an entry in ClinVar:

NM_001370466.1(NOD2):c.953T>C (p.Val318Ala)

Gene: NOD2 (nucleotide binding oligomerization domain containing 2; plus strand). Cytogenetic location: 16q12.1.
Variant type: single nucleotide variant.
Coding change: c.953T>C on transcript NM_001370466.1 (MANE Select); coding-DNA position 953, T replaced by C.
Protein change: p.Val318Ala; replaces valine 318 with alanine.
Molecular consequence: missense variant. On other transcripts: non-coding transcript variant (1).
Genome position (GRCh38, 1-based): chr16:50,710,945, T>C. VCF-style: chr16-50710945-T-C. GRCh37 (hg19) VCF-style: chr16-50744856-T-C.
Other names: c.953T>C, p.Val318Ala (NM_001293557.2); c.1034T>C, p.Val345Ala (NM_022162.3); short protein forms V318A, V345A.
Identifiers: ClinVar variation 2117148 (VCV002117148.1), dbSNP rs766219817, ClinGen allele CA8051446.
Genomic context (GRCh38, chr16:50,710,945, plus strand): 5'-TTCTCTTTGTCTTCCCATTCAGCTGCCGGCAGCTGCAGTGCATGGCCAAACCACTCTCTG[T>C]GCGGACTCTACTCTTTGAGCACTGCTGTTGGCCTGATGTTGGTCAAGAAGACATCTTCCA-3'
Protein context (NP_001357395.1, residues 308-328): QLQCMAKPLS[Val318Ala]RTLLFEHCCW

ClinVar aggregate classification (germline): Uncertain significance (1 of 4 stars; one submission).

Conditions:
Regional enteritis. Also called: Enteritis, Granulomatous. Identifiers: MedGen C0678202, MeSH D003424.
Blau syndrome (BLAUS). Also called: JABS SYNDROME; ARTHROCUTANEOUVEAL GRANULOMATOSIS; GRANULOMATOSIS, FAMILIAL JUVENILE SYSTEMIC; GRANULOMATOSIS, FAMILIAL, BLAU TYPE; GRANULOMATOUS INFLAMMATORY ARTHRITIS, DERMATITIS, AND UVEITIS, FAMILIAL. Identifiers: Orphanet 90340, MedGen C5201146, MONDO:0008523, OMIM 186580.

Allele frequency attached by ClinVar (database versions not stated): gnomAD exomes 0.00001; ExAC 0.00002.
gnomAD v4.1: 9 of 1,614,206 alleles (0.00056%); highest among the groups gnomAD compares: Non-Finnish European, 0.00076%; no homozygotes.

Submission:

Labcorp Genetics (formerly Invitae), Labcorp
Classification: Uncertain significance for Regional enteritis; Blau syndrome. Last evaluated: 2022-03-26. Review status: criteria provided, single submitter. Criteria: Invitae Variant Classification Sherloc (09022015). Collection method: clinical testing. Allele origin: germline.
Comment: This sequence change replaces valine, which is neutral and non-polar, with alanine, which is neutral and non-polar, at codon 345 of the NOD2 protein (p.Val345Ala). This variant is present in population databases (rs766219817, gnomAD 0.002%). This variant has not been reported in the literature in individuals affected with NOD2-related conditions. Advanced modeling of protein sequence and biophysical properties (such as structural, functional, and spatial information, amino acid conservation, physicochemical variation, residue mobility, and thermodynamic stability) performed at Invitae indicates that this missense variant is not expected to disrupt NOD2 protein function. In summary, the available evidence is currently insufficient to determine the role of this variant in disease. Therefore, it has been classified as a Variant of Uncertain Significance.